The following is an entry in ClinVar:

ClinVar aggregate classification (germline): Uncertain significance (1 of 4 stars; one submission).

Conditions:
Hypertrophic cardiomyopathy. Also called: HYPERTROPHIC MYOCARDIOPATHY. Identifiers: Orphanet 217569, MedGen C0007194, MeSH D002312, MONDO:0005045, HP:0001639.

Submission:

Labcorp Genetics (formerly Invitae), Labcorp
Classification: Uncertain significance for Hypertrophic cardiomyopathy. Last evaluated: 2020-09-23. Review status: criteria provided, single submitter. Criteria: Invitae Variant Classification Sherloc (09022015). Collection method: clinical testing. Allele origin: germline.
Comment: This variant is found within a region of MYH7 between codons 181 and 937 that contains the majority of the myosin head domain. Missense variants in this region have been shown to be significantly overrepresented in individuals with hypertrophic cardiomyopathy (PMID: 27532257). In summary, the available evidence is currently insufficient to determine the role of this variant in disease. Therefore, it has been classified as a Variant of Uncertain Significance. This variant disrupts the p.Asp717 amino acid residue in MYH7. Other variant(s) that disrupt this residue have been determined to be pathogenic (PMID: 25558701, 25935763). This suggests that this residue is clinically significant, and that variants that disrupt this residue are likely to be disease-causing. Algorithms developed to predict the effect of missense changes on protein structure and function (SIFT, PolyPhen-2, Align-GVGD) all suggest that this variant is likely to be disruptive, but these predictions have not been confirmed by published functional studies and their clinical significance is uncertain. This variant has not been reported in the literature in individuals with MYH7-related conditions. This variant is not present in population databases (ExAC no frequency). This sequence change replaces aspartic acid with glutamic acid at codon 717 of the MYH7 protein (p.Asp717Glu). The aspartic acid residue is highly conserved and there is a small physicochemical difference between aspartic acid and glutamic acid.

Literature cited by the submitters: PubMed 27532257; PubMed 25558701; PubMed 25935763.

NM_000257.4(MYH7):c.2151C>G (p.Asp717Glu)

Gene: MYH7 (myosin heavy chain 7; minus strand). Cytogenetic location: 14q11.2.
Variant type: single nucleotide variant.
Coding change: c.2151C>G on transcript NM_000257.4 (MANE Select); coding-DNA position 2151, C replaced by G.
Protein change: p.Asp717Glu; replaces aspartic acid 717 with glutamic acid.
Molecular consequence: missense variant.
Genome position (GRCh38, 1-based): chr14:23,425,975, G>C on the plus strand (C>G on the coding strand, the complement: MYH7 is on the minus strand). VCF-style: chr14-23425975-G-C. GRCh37 (hg19) VCF-style: chr14-23895184-G-C.
Other names: short protein forms D717E.
Identifiers: ClinVar variation 1014067 (VCV001014067.8), dbSNP rs1385478575, ClinGen allele CA389049023.